The following is an entry in ClinVar:

ClinVar aggregate classification (germline): Uncertain significance (1 of 4 stars; one submission).

Conditions:
Primary ciliary dyskinesia 7. Also called: CILIARY DYSKINESIA, PRIMARY, 7, WITH OR WITHOUT SITUS INVERSUS. Identifiers: Orphanet 244, MedGen C2678473, MONDO:0012748, OMIM 611884.

gnomAD v4.1: 1 of 1,613,474 alleles (0.000062%); highest among the groups gnomAD compares: South Asian, 0.0011%; no homozygotes.

Submission:

Juno Genomics, Hangzhou Juno Genomics, Inc
Classification: Uncertain significance for Primary ciliary dyskinesia 7. Review status: criteria provided, single submitter. Criteria: ACMG Guidelines, 2015. Collection method: clinical testing. Allele origin: germline.
Comment: Absent from controls (or at extremely low frequency if recessive) in Genome Aggregation Database.

NM_001277115.2(DNAH11):c.3968T>G (p.Ile1323Arg)

Gene: DNAH11 (dynein axonemal heavy chain 11; plus strand). Cytogenetic location: 7p15.3.
Variant type: single nucleotide variant.
Coding change: c.3968T>G on transcript NM_001277115.2 (MANE Select); coding-DNA position 3968, T replaced by G.
Protein change: p.Ile1323Arg; replaces isoleucine 1323 with arginine.
Molecular consequence: missense variant.
Genome position (GRCh38, 1-based): chr7:21,615,229, T>G. VCF-style: chr7-21615229-T-G. GRCh37 (hg19) VCF-style: chr7-21654847-T-G.
Other names: short protein forms I1323R.
Identifiers: ClinVar variation 5007685 (VCV005007685.2).
Genomic context (GRCh38, chr7:21,615,229, plus strand): 5'-CTCGTCTTTTTGAAGTGGCTCTTCCAGAGTACAAACAAATGAAACAGTGTCGCAAAGAAA[T>G]AAAATTGCTCAAGGGACTGTGGGATGTCATTATTTATGTTCGAGTAAGATGTGCTTTTTC-3'
Protein context (NP_001264044.1, residues 1313-1333): YKQMKQCRKE[Ile1323Arg]KLLKGLWDVI